The following is an entry in ClinVar:

NM_003476.5(CSRP3):c.245C>G (p.Thr82Arg)

Gene: CSRP3 (cysteine and glycine rich protein 3; minus strand). Cytogenetic location: 11p15.1.
Variant type: single nucleotide variant.
Coding change: c.245C>G on transcript NM_003476.5 (MANE Select); coding-DNA position 245, C replaced by G.
Protein change: p.Thr82Arg; replaces threonine 82 with arginine.
Molecular consequence: missense variant. On other transcripts: intron variant (1).
Genome position (GRCh38, 1-based): chr11:19,188,172, G>C on the plus strand (C>G on the coding strand, the complement: CSRP3 is on the minus strand). VCF-style: chr11-19188172-G-C. GRCh37 (hg19) VCF-style: chr11-19209719-G-C.
Other names: c.113-1824C>G (NM_001369404.1); short protein forms T82R.
Identifiers: ClinVar variation 3497946 (VCV003497946.1).

ClinVar aggregate classification (germline): Uncertain significance (1 of 4 stars; one submission).

Conditions:
Cardiovascular phenotype. Identifiers: MedGen CN230736.

Submission:

Ambry Genetics
Classification: Uncertain significance for Cardiovascular phenotype. Last evaluated: 2024-07-06. Review status: criteria provided, single submitter. Criteria: Ambry Variant Classification Scheme 2023. Collection method: clinical testing. Allele origin: germline.
Comment: The p.T82R variant (also known as c.245C>G), located in coding exon 2 of the CSRP3 gene, results from a C to G substitution at nucleotide position 245. The threonine at codon 82 is replaced by arginine, an amino acid with similar properties. This amino acid position is conserved. In addition, the in silico prediction for this alteration is inconclusive. Based on the available evidence, the clinical significance of this variant remains unclear.